The following is an entry in ClinVar:

ClinVar aggregate classification (germline): Likely benign. Review status: criteria provided, multiple submitters, no conflicts (2 of 4 stars). 3 submissions from 3 submitters: Likely benign (2). 1 of the submissions does not count toward it. Last evaluated 2025-11-24.

Conditions:
Hereditary cancer-predisposing syndrome. Also called: Neoplastic Syndromes, Hereditary; Hereditary Cancer Syndrome; Hereditary neoplastic syndrome; Tumor predisposition. Identifiers: Orphanet 140162, MedGen C0027672, MeSH D009386, MONDO:0015356.
Gastrointestinal stromal tumor. Also called: Gastrointestinal stromal tumor, somatic; Gastrointestinal stroma tumor. Identifiers: Orphanet 44890, MedGen C0238198, MeSH D046152, MONDO:0011719, OMIM 606764, HP:0100723.
PDGFRA-related disorder. Also called: PDGFRA-related condition.

Allele frequency attached by ClinVar (database versions not stated): ExAC 0.00001; gnomAD 0.00001; gnomAD exomes 0.00001 and 0.00002; TOPMed 0.00001.
gnomAD v4.1: 18 of 1,614,000 alleles (0.0011%); highest among the groups gnomAD compares: Admixed American, 0.0067%; no homozygotes.

Submissions (3):

Labcorp Genetics (formerly Invitae), Labcorp
Classification: Likely benign for Gastrointestinal stromal tumor. Last evaluated: 2025-11-24. Review status: criteria provided, single submitter. Criteria: Invitae Variant Classification Sherloc (09022015). Collection method: clinical testing. Allele origin: germline.

Ambry Genetics
Classification: Likely benign for Hereditary cancer-predisposing syndrome. Last evaluated: 2024-02-27. Review status: criteria provided, single submitter. Criteria: Ambry Variant Classification Scheme 2023. Collection method: clinical testing. Allele origin: germline.

PreventionGenetics, part of Exact Sciences
Classification: Likely benign for PDGFRA-related condition. Last evaluated: 2023-08-09. Review status: no assertion criteria provided. Collection method: clinical testing. Allele origin: germline. Not counted in ClinVar's aggregate classification.
Comment: This variant is classified as likely benign based on ACMG/AMP sequence variant interpretation guidelines (Richards et al. 2015 PMID: 25741868, with internal and published modifications).

NM_006206.6(PDGFRA):c.1777C>T (p.Leu593=)

Gene: PDGFRA (platelet derived growth factor receptor alpha; plus strand). Cytogenetic location: 4q12.
Variant type: single nucleotide variant.
Coding change: c.1777C>T on transcript NM_006206.6 (MANE Select); coding-DNA position 1777, C replaced by T.
Protein change: p.Leu593=; no amino-acid change (leucine 593 retained).
Molecular consequence: synonymous variant.
Genome position (GRCh38, 1-based): chr4:54,274,964, C>T. VCF-style: chr4-54274964-C-T. GRCh37 (hg19) VCF-style: chr4-55141131-C-T.
Other names: c.1777C>T, p.Leu593= (NM_001347827.2, NM_001347829.2); c.1852C>T, p.Leu618= (NM_001347828.2); c.1816C>T, p.Leu606= (NM_001347830.2); c.1777C>T (NM_006206.5).
Identifiers: ClinVar variation 754433 (VCV000754433.14), dbSNP rs780059483, ClinGen allele CA2922672.